The following is an entry in ClinVar:

ClinVar aggregate classification (germline): Conflicting classifications of pathogenicity. Review status: criteria provided, conflicting classifications (1 of 4 stars). 3 submissions from 3 submitters: Likely pathogenic (1); Uncertain significance (2). Last evaluated 2024-06-06.

Conditions:
Congenital disorder of deglycosylation 1. Also called: NGLY1-Related Congenital Disorder of Deglycosylation; NGLY1-deficiency. Identifiers: Orphanet 404454, MedGen CN306977, MONDO:0800044, OMIM 615273.
Congenital disorder of deglycosylation (CDDG). Identifiers: MedGen C3808991, MONDO:0031376.

Allele frequency attached by ClinVar (database versions not stated): gnomAD 0.00001; gnomAD exomes 0.00001; TOPMed 0.00001; ExAC 0.00006.

Submissions (3):

Fulgent Genetics
Classification: Likely pathogenic for Congenital disorder of deglycosylation 1. Last evaluated: 2024-06-06. Review status: criteria provided, single submitter. Criteria: ACMG Guidelines, 2015. Collection method: clinical testing. Allele origin: germline.

Women's Health and Genetics/Laboratory Corporation of America, LabCorp
Classification: Uncertain significance. Last evaluated: 2023-05-22. Review status: criteria provided, single submitter. Criteria: LabCorp Variant Classification Summary - May 2015. Collection method: clinical testing. Allele origin: germline.
Comment: Variant summary: NGLY1 c.1A>G (p.Met1?) alters the ATG initiation codon and is predicted to alter translational initiation due to a change in the Kozak consensus sequence resulting either in absence of the protein or truncation of the encoded protein due to translation initiation at a downstream codon. The next downstream putative in-frame start codon (Methionine) is located at c.232 coding for p.78 Met in the coding sequence. To our knowledge no pathogenic variants have been reported upstream (5') of this next putative in-frame start codon. Two of three in-silico tools predict a benign effect of the variant on protein function. The variant allele was found at a frequency of 1.5e-05 in 134300 control chromosomes (gnomAD). The available data on variant occurrences in the general population are insufficient to allow any conclusion about variant significance. To our knowledge, no occurrence of c.1A>G in individuals affected with Congenital Disorder Of Deglycosylation and no experimental evidence demonstrating its impact on protein function have been reported. One clinical diagnostic laboratory has submitted clinical-significance assessments for this variant to ClinVar after 2014 and classified the variant as uncertain significance. Based on the evidence outlined above, the variant was classified as uncertain significance.

Labcorp Genetics (formerly Invitae), Labcorp
Classification: Uncertain significance for Congenital disorder of deglycosylation. Last evaluated: 2022-09-27. Review status: criteria provided, single submitter. Criteria: Invitae Variant Classification Sherloc (09022015). Collection method: clinical testing. Allele origin: germline.
Comment: This sequence change affects the initiator methionine of the NGLY1 mRNA. The next in-frame methionine is located at codon 78. This variant is present in population databases (rs772627507, gnomAD 0.009%). This variant has not been reported in the literature in individuals affected with NGLY1-related conditions. ClinVar contains an entry for this variant (Variation ID: 1343689). Experimental studies and prediction algorithms are not available or were not evaluated, and the functional significance of this variant is currently unknown. In summary, the available evidence is currently insufficient to determine the role of this variant in disease. Therefore, it has been classified as a Variant of Uncertain Significance.

NM_018297.4(NGLY1):c.1A>G (p.Met1Val)

Gene: NGLY1 (N-glycanase 1; minus strand). Cytogenetic location: 3p24.2.
Variant type: single nucleotide variant.
Coding change: c.1A>G on transcript NM_018297.4 (MANE Select); coding-DNA position 1, A replaced by G.
Protein change: p.Met1Val; changes the start codon (methionine 1).
Molecular consequence: missense variant, initiator codon variant. On other transcripts: intron variant (1).
Genome position (GRCh38, 1-based): chr3:25,783,390, T>C on the plus strand (A>G on the coding strand, the complement: NGLY1 is on the minus strand). VCF-style: chr3-25783390-T-C. GRCh37 (hg19) VCF-style: chr3-25824881-T-C.
Other names: c.1A>G, p.Met1Val (NM_001145293.2, NM_001145295.2); c.6-4702A>G (NM_001145294.2); short protein forms M1V.
Identifiers: ClinVar variation 1343689 (VCV001343689.6), dbSNP rs772627507, ClinGen allele CA2289616.